The following is an entry in ClinVar:

NM_004982.4(KCNJ8):c.84_89dup (p.Arg30_Leu31insAspArg)

Genes: KCNJ8 (potassium inwardly rectifying channel subfamily J member 8; minus strand), KCNJ8-AS1 (KCNJ8 antisense RNA 1; plus strand). Cytogenetic location: 12p12.1.
Variant type: Duplication.
Coding change: c.84_89dup on transcript NM_004982.4 (MANE Select); coding-DNA positions 84 to 89, 6 bases duplicated (AGACCG; older notation c.84_89dupAGACCG).
Protein change: p.Arg30_Leu31insAspArg.
Molecular consequence: inframe insertion.
Genome position (GRCh38, 1-based): chr12:21,773,528-21,773,533, CGGTCT duplicated on the plus strand (AGACCG on the coding strand, the reverse complement: KCNJ8 is on the minus strand); duplicating any 6 consecutive bases within chr12:21,773,528-21,773,536 gives the same sequence; the c. name uses the placement nearest the transcript's 3' end. VCF-style (leftmost placement, unchanged base first): chr12-21773527-G-GCGGTCT. GRCh37 (hg19) VCF-style: chr12-21926461-G-GCGGTCT.
Identifiers: ClinVar variation 4700078 (VCV004700078.1).
Genomic context (GRCh38, chr12:21,773,527, plus strand): 5'-GATGTTCTTATGCGCCAGGTTGCAGGCCCCGCTCTTGGCGATGAAGCGGGCTTTGGGGAG[G>GCGGTCT]CGGTCTCGGATGCGCGGCTTGCGCAGGTTCTCTGCGGCGATGCGCGCCAGCACATACTCC-3'

ClinVar aggregate classification (germline): Uncertain significance (1 of 4 stars; one submission).

Conditions:
Brugada syndrome. Also called: Sudden unexpected nocturnal death syndrome; Sudden Unexplained Death Syndrome; Sudden Unexplained Nocturnal Death Syndrome (SUNDS); Sudden unexplained nocturnal death syndrome. Identifiers: Orphanet 130, MedGen C1142166, MONDO:0015263.

Submission:

Labcorp Genetics (formerly Invitae), Labcorp
Classification: Uncertain significance for Brugada syndrome. Last evaluated: 2025-04-17. Review status: criteria provided, single submitter. Criteria: Invitae Variant Classification Sherloc (09022015). Collection method: clinical testing. Allele origin: germline.
Comment: This variant, c.84_89dup, results in the insertion of 2 amino acid(s) of the KCNJ8 protein (p.Asp29_Arg30dup), but otherwise preserves the integrity of the reading frame. This variant is not present in population databases (gnomAD no frequency). This variant has not been reported in the literature in individuals affected with KCNJ8-related conditions. In summary, the available evidence is currently insufficient to determine the role of this variant in disease. Therefore, it has been classified as a Variant of Uncertain Significance.